The following is an entry in ClinVar:

NM_177438.3(DICER1):c.5218del (p.Val1740fs)

Gene: DICER1 (dicer 1, ribonuclease III; minus strand). Cytogenetic location: 14q32.13.
Variant type: Deletion.
Coding change: c.5218del on transcript NM_177438.3 (MANE Select); coding-DNA position 5218, one base deleted (G; older notation c.5218delG).
Protein change: p.Val1740fs; shifts the reading frame from valine 1740.
Molecular consequence: frameshift variant. On other transcripts: non-coding transcript variant (6).
Genome position (GRCh38, 1-based): chr14:95,094,034, C deleted on the plus strand (G on the coding strand, the reverse complement: DICER1 is on the minus strand); the first of 2 consecutive C bases (chr14:95,094,034-95,094,035); deleting either gives the same sequence. VCF-style (leftmost placement, unchanged base first): chr14-95094033-AC-A. GRCh37 (hg19) VCF-style: chr14-95560370-AC-A.
Other names: c.5218delG (NM_030621.4, NM_177438.2); c.5218del, p.Val1740fs (NM_001195573.1, NM_001271282.3, NM_001291628.2 and 8 more transcripts); c.4936del, p.Val1646fs (NM_001395686.1); c.4813del, p.Val1605fs (NM_001395687.1, NM_001395688.1, NM_001395689.1 and 1 more transcripts); c.4651del, p.Val1551fs (NM_001395691.1); c.3535del, p.Val1179fs (NM_001395697.1); short protein forms V1605fs, V1551fs, V1646fs, V1179fs, V1740fs.
Identifiers: ClinVar variation 4240486 (VCV004240486.3).

ClinVar aggregate classification (germline): Pathogenic/Likely pathogenic. Review status: criteria provided, multiple submitters, no conflicts (2 of 4 stars). 3 submissions from 3 submitters: Pathogenic (2); Likely pathogenic (1). Last evaluated 2025-08-19.

Conditions:
DICER1-related disorder. Also called: DICER1-related condition.
Hereditary cancer-predisposing syndrome. Also called: Hereditary Cancer Syndrome; Hereditary neoplastic syndrome; Neoplastic Syndromes, Hereditary; Tumor predisposition. Identifiers: Orphanet 140162, MedGen C0027672, MeSH D009386, MONDO:0015356.
DICER1-related tumor predisposition. Also called: DICER1-related pleuropulmonary blastoma cancer predisposition syndrome; DICER1 syndrome. Identifiers: Orphanet 284343, MedGen C3839822, MONDO:0100216.

Submissions (3):

Institute for Genomic Medicine (IGM) Clinical Laboratory, Nationwide Children's Hospital
Classification: Likely pathogenic for DICER1-related tumor predisposition. Last evaluated: 2025-08-19. Review status: criteria provided, single submitter. Criteria: ACMG Guidelines, 2015. Collection method: clinical testing. Allele origin: germline.
Comment: This variant is predicted to result in loss of function through nonsense-mediated decay of the encoded transcript or premature truncation of the encoded protein in a gene in which loss of function is a known mechanism of disease (ACMG/AMP: PVS1). This variant is absent from or present at an exceedingly low frequency in gnomAD, a large-scale control population database (ACMG/AMP: PM2).

PreventionGenetics, part of Exact Sciences
Classification: Pathogenic for DICER1-related condition. Last evaluated: 2025-07-30. Review status: criteria provided, single submitter. Criteria: ACMG Guidelines, 2015. Collection method: clinical testing. Allele origin: germline.
Comment: The DICER1 c.5218delG variant is predicted to result in a frameshift and premature protein termination (p.Val1740Serfs*11). To our knowledge, this variant has not been reported in the literature or in a large population database (gnomAD), indicating this variant is rare. At the time of reporting, this variant was not present in ClinVar. Frameshift variants in DICER1 are expected to be pathogenic (Hill et al. 2009. PubMed ID: 19556464; Nykamp et al. 2017. PubMed ID: 28492532). This variant is interpreted as pathogenic.

Ambry Genetics
Classification: Pathogenic for Hereditary cancer-predisposing syndrome. Last evaluated: 2025-07-03. Review status: criteria provided, single submitter. Criteria: Ambry Variant Classification Scheme 2023. Collection method: clinical testing. Allele origin: germline.
Comment: The c.5218delG pathogenic mutation, located in coding exon 23 of the DICER1 gene, results from a deletion of one nucleotide at nucleotide position 5218, causing a translational frameshift with a predicted alternate stop codon (p.V1740Sfs*11). This variant is considered to be rare based on population cohorts in the Genome Aggregation Database (gnomAD). This alteration is expected to result in loss of function by premature protein truncation or nonsense-mediated mRNA decay. As such, this alteration is interpreted as a disease-causing mutation.